The following is an entry in ClinVar:

NM_022051.3(EGLN1):c.815T>G (p.Leu272Arg)

Genes: EGLN1 (egl-9 family hypoxia inducible factor 1; minus strand), LOC129932769 (ATAC-STARR-seq lymphoblastoid active region 2730; plus strand). Cytogenetic location: 1q42.2.
Variant type: single nucleotide variant.
Coding change: c.815T>G on transcript NM_022051.3 (MANE Select); coding-DNA position 815, T replaced by G.
Protein change: p.Leu272Arg; replaces leucine 272 with arginine.
Molecular consequence: missense variant.
Genome position (GRCh38, 1-based): chr1:231,421,074, A>C on the plus strand (T>G on the coding strand, the complement: EGLN1 is on the minus strand). VCF-style: chr1-231421074-A-C. GRCh37 (hg19) VCF-style: chr1-231556820-A-C.
Other names: c.815T>G, p.Leu272Arg (NM_001377260.1, NM_001377261.1); short protein forms L272R.
Identifiers: ClinVar variation 1762224 (VCV001762224.2), dbSNP rs1656574861, ClinGen allele CA345235082.

ClinVar aggregate classification (germline): Uncertain significance (1 of 4 stars; one submission).

Submission:

Ambry Genetics
Classification: Uncertain significance. Last evaluated: 2021-12-10. Review status: criteria provided, single submitter. Criteria: Ambry Variant Classification Scheme 2023. Collection method: clinical testing. Allele origin: germline.
Comment: The p.L272R variant (also known as c.815T>G), located in coding exon 1 of the EGLN1 gene, results from a T to G substitution at nucleotide position 815. The leucine at codon 272 is replaced by arginine, an amino acid with dissimilar properties. This amino acid position is conserved. In addition, this alteration is predicted to be deleterious by in silico analysis. Since supporting evidence is limited at this time, the clinical significance of this alteration remains unclear.